The following is an entry in ClinVar:

NM_000552.5(VWF):c.4439C>T (p.Pro1480Leu)

Gene: VWF (von Willebrand factor; minus strand). Cytogenetic location: 12p13.31.
Variant type: single nucleotide variant.
Coding change: c.4439C>T on transcript NM_000552.5 (MANE Select); coding-DNA position 4439, C replaced by T.
Protein change: p.Pro1480Leu; replaces proline 1480 with leucine.
Molecular consequence: missense variant.
Genome position (GRCh38, 1-based): chr12:6,018,979, G>A on the plus strand (C>T on the coding strand, the complement: VWF is on the minus strand). VCF-style: chr12-6018979-G-A. GRCh37 (hg19) VCF-style: chr12-6128145-G-A.
Other names: short protein forms P1480L.
Identifiers: ClinVar variation 2581451 (VCV002581451.2), dbSNP rs778742589, ClinGen allele CA6402531.

ClinVar aggregate classification (germline): Uncertain significance. Review status: criteria provided, multiple submitters, no conflicts (2 of 4 stars). 2 submissions from 2 submitters: Uncertain significance (2). Last evaluated 2026-09-01.

Allele frequency attached by ClinVar (database versions not stated): gnomAD 0.00001; ExAC 0.00002; TOPMed 0.00003.
gnomAD v4.1: 27 of 1,613,804 alleles (0.0017%); highest among the groups gnomAD compares: Admixed American, 0.0033%; no homozygotes.

Submissions (2):

CeGaT Center for Human Genetics Tuebingen
Classification: Uncertain significance. Last evaluated: 2026-09-01. Review status: criteria provided, single submitter. Criteria: CeGaT Center For Human Genetics Tuebingen Variant Classification Criteria Version 2. Collection method: clinical testing. Allele origin: germline. Affected: yes. Observed: 1 variant allele.
Comment: VWF: PM2, BP4

Women's Health and Genetics/Laboratory Corporation of America, LabCorp
Classification: Uncertain significance. Last evaluated: 2023-08-30. Review status: criteria provided, single submitter. Criteria: LabCorp Variant Classification Summary - May 2015. Collection method: clinical testing. Allele origin: germline.
Comment: Variant summary: VWF c.4439C>T (p.Pro1480Leu) results in a non-conservative amino acid change in the encoded protein sequence. Three of five in-silico tools predict a benign effect of the variant on protein function. The variant allele was found at a frequency of 1.2e-05 in 249818 control chromosomes. The available data on variant occurrences in the general population are insufficient to allow any conclusion about variant significance. c.4439C>T has been reported in an infant with early death without evidence for causality (Yang_2020). This report does not provide unequivocal conclusions about association of the variant with Von Willebrand Disease. To our knowledge, no experimental evidence demonstrating an impact on protein function has been reported. The following publication have been ascertained in the context of this evaluation (PMID: 31501239). No submitters have cited clinical-significance assessments for this variant to ClinVar after 2014. Based on the evidence outlined above, the variant was classified as uncertain significance.

Literature cited by the submitters: PubMed 31501239 (cited by Women's Health and Genetics/Laboratory Corporation of America, LabCorp).